The following is an entry in ClinVar:

ClinVar aggregate classification (germline): Pathogenic. Review status: criteria provided, multiple submitters, no conflicts (2 of 4 stars). 2 submissions from 2 submitters: Pathogenic (2). Last evaluated 2021-11-27.

Conditions:
Cerebral cavernous malformation (CCM). Also called: CAVERNOUS ANGIOMA, FAMILIAL; CAVERNOUS ANGIOMATOUS MALFORMATIONS; CEREBRAL CAPILLARY MALFORMATIONS; Cerebral cavernous malformations; Cerebral cavernous hemangioma (type); Cavernous Hemangioma of Brain. Identifiers: Orphanet 221061, MedGen C2919945, MONDO:0000820, OMIM 116860, HP:0033522.

Submissions (2):

Labcorp Genetics (formerly Invitae), Labcorp
Classification: Pathogenic for Cerebral cavernous malformation. Last evaluated: 2021-11-27. Review status: criteria provided, single submitter. Criteria: Invitae Variant Classification Sherloc (09022015). Collection method: clinical testing. Allele origin: germline.
Comment: For these reasons, this variant has been classified as Pathogenic. ClinVar contains an entry for this variant (Variation ID: 450666). This variant has not been reported in the literature in individuals affected with KRIT1-related conditions. This variant is not present in population databases (gnomAD no frequency). This sequence change creates a premature translational stop signal (p.Lys589*) in the KRIT1 gene. It is expected to result in an absent or disrupted protein product. Loss-of-function variants in KRIT1 are known to be pathogenic (PMID: 10508515, 11222804, 12404106, 24689081).

GeneDx
Classification: Pathogenic. Last evaluated: 2017-08-18. Review status: criteria provided, single submitter. Criteria: GeneDx Variant Classification (06012015). Collection method: clinical testing. Allele origin: germline. Affected: yes.
Comment: The K589X nonsense variant in the KRIT1 gene is predicted to cause loss of normal protein function either through protein truncation or nonsense-mediated mRNA decay. Furthermore, the K589X variant is not observed in large population cohorts (Lek et al., 2016; 1000 Genomes Consortium et al., 2015; Exome Variant Server). Although this pathogenic variant has not been reported previously to our knowledge, its presence is consistent with the diagnosis of cerebral cavernous malformation

Literature cited by the submitters: PubMed 10508515 (cited by Labcorp Genetics (formerly Invitae), Labcorp); PubMed 11222804 (cited by Labcorp Genetics (formerly Invitae), Labcorp); PubMed 12404106 (cited by Labcorp Genetics (formerly Invitae), Labcorp); PubMed 24689081 (cited by Labcorp Genetics (formerly Invitae), Labcorp).

NM_194454.3(KRIT1):c.1765A>T (p.Lys589Ter)

Gene: KRIT1 (KRIT1 ankyrin repeat containing; minus strand). Cytogenetic location: 7q21.2.
Variant type: single nucleotide variant.
Coding change: c.1765A>T on transcript NM_194454.3 (MANE Select); coding-DNA position 1765, A replaced by T.
Protein change: p.Lys589Ter; replaces lysine 589 with a stop codon.
Molecular consequence: nonsense.
Genome position (GRCh38, 1-based): chr7:92,213,945, T>A on the plus strand (A>T on the coding strand, the complement: KRIT1 is on the minus strand). VCF-style: chr7-92213945-T-A. GRCh37 (hg19) VCF-style: chr7-91843259-T-A.
Other names: c.1621A>T, p.Lys541Ter (NM_001013406.2, NM_001350669.1, NM_001350670.1); c.1051A>T, p.Lys351Ter (NM_001350671.1); c.1765A>T, p.Lys589Ter (NM_001350672.1, NM_001350673.1, NM_001350674.1 and 26 more transcripts); short protein forms K589*, K351*, K541*.
Identifiers: ClinVar variation 450666 (VCV000450666.8), dbSNP rs1554503702, ClinGen allele CA368141307.